The following is an entry in ClinVar:

NM_000166.6(GJB1):c.136G>C (p.Asp46His)

Gene: GJB1 (gap junction protein beta 1; plus strand). Cytogenetic location: Xq13.1.
Variant type: single nucleotide variant.
Coding change: c.136G>C on transcript NM_000166.6 (MANE Select); coding-DNA position 136, G replaced by C.
Protein change: p.Asp46His; replaces aspartic acid 46 with histidine.
Molecular consequence: missense variant.
Genome position (GRCh38, 1-based): chrX:71,223,843, G>C. VCF-style: chrX-71223843-G-C. GRCh37 (hg19) VCF-style: chrX-70443693-G-C.
Other names: c.136G>C, p.Asp46His (NM_001097642.3); short protein forms D46H.
Identifiers: ClinVar variation 3383179 (VCV003383179.4).

ClinVar aggregate classification (germline): Conflicting classifications of pathogenicity. Review status: criteria provided, conflicting classifications (1 of 4 stars). 2 submissions from 2 submitters: Likely pathogenic (1); Uncertain significance (1). Last evaluated 2024-08-11.

Conditions:
Charcot-Marie-Tooth Neuropathy X. Identifiers: MedGen CN118851.
Charcot-Marie-Tooth disease X-linked dominant 1. Also called: CHARCOT-MARIE-TOOTH NEUROPATHY, X-LINKED, 1; CHARCOT-MARIE-TOOTH PERONEAL MUSCULAR ATROPHY, X-LINKED; HEREDITARY MOTOR AND SENSORY NEUROPATHY, X-LINKED; HMSN, X-LINKED; Charcot-Marie-Tooth Neuropathy X Type 1; X-linked Charcot-Marie-Tooth disease type 1. Identifiers: Orphanet 101075, MedGen C0393808, MONDO:0010549, OMIM 302800.

Submissions (2):

Labcorp Genetics (formerly Invitae), Labcorp
Classification: Uncertain significance for Charcot-Marie-Tooth Neuropathy X. Last evaluated: 2024-08-11. Review status: criteria provided, single submitter. Criteria: Invitae Variant Classification Sherloc (09022015). Collection method: clinical testing. Allele origin: germline.
Comment: This sequence change replaces aspartic acid, which is acidic and polar, with histidine, which is basic and polar, at codon 46 of the GJB1 protein (p.Asp46His). This variant is not present in population databases (gnomAD no frequency). This variant has not been reported in the literature in individuals affected with GJB1-related conditions. Advanced modeling of protein sequence and biophysical properties (such as structural, functional, and spatial information, amino acid conservation, physicochemical variation, residue mobility, and thermodynamic stability) performed at Invitae indicates that this missense variant is expected to disrupt GJB1 protein function with a positive predictive value of 80%. This variant disrupts the p.Asp46 amino acid residue in GJB1. Other variant(s) that disrupt this residue have been observed in individuals with GJB1-related conditions (PMID: 16922730; Invitae), which suggests that this may be a clinically significant amino acid residue. In summary, the available evidence is currently insufficient to determine the role of this variant in disease. Therefore, it has been classified as a Variant of Uncertain Significance.

Juno Genomics, Hangzhou Juno Genomics, Inc
Classification: Likely pathogenic for Charcot-Marie-Tooth disease X-linked dominant 1. Review status: criteria provided, single submitter. Criteria: ACMG Guidelines, 2015. Collection method: clinical testing. Allele origin: germline. Affected: yes.
Comment: Absent from controls (or at extremely low frequency if recessive) in Genome Aggregation Database, Exome Sequencing Project, 1000 Genomes Project, or Exome Aggregation Consortium.;Multiple lines of computational evidence support a deleterious effect on the gene or gene product (conservation, evolutionary, splicing impact, etc).;Novel missense change at an amino acid residue where a different missense change determined to be pathogenic has been seen before.

Literature cited by the submitters: PubMed 16922730 (cited by Labcorp Genetics (formerly Invitae), Labcorp).